The following is an entry in ClinVar:

NC_000013.10:g.(?_50123574)_(50141415_?)dup

Gene: RCBTB1 (RCC1 and BTB domain containing protein 1; minus strand). Cytogenetic location: 13q14.2.
Variant type: Duplication.
Identifiers: ClinVar variation 2426455 (VCV002426455.3).

ClinVar aggregate classification (germline): Uncertain significance (1 of 4 stars; one submission).

Submission:

Labcorp Genetics (formerly Invitae), Labcorp
Classification: Uncertain significance. Last evaluated: 2022-06-27. Review status: criteria provided, single submitter. Criteria: Invitae Variant Classification Sherloc (09022015). Collection method: clinical testing. Allele origin: germline.
Comment: This variant results in a copy number gain of the genomic region encompassing exon(s) 3-9 of the RCBTB1 gene. This region includes the initiator codon of the gene. This copy number gain extends beyond the assayed region for this gene and therefore may encompass additional genes. As the precise location of this event is unknown, it may be in tandem or it may be located elsewhere in the genome. This variant has not been reported in the literature in individuals affected with RCBTB1-related conditions. Experimental studies and prediction algorithms are not available or were not evaluated, and the functional significance of this variant is currently unknown. In summary, the available evidence is currently insufficient to determine the role of this variant in disease. Therefore, it has been classified as a Variant of Uncertain Significance.